The following is an entry in ClinVar:

NM_022124.6(CDH23):c.7501G>A (p.Asp2501Asn)

Gene: CDH23 (cadherin related 23; plus strand). Cytogenetic location: 10q22.1.
Variant type: single nucleotide variant.
Coding change: c.7501G>A on transcript NM_022124.6 (MANE Select); coding-DNA position 7501, G replaced by A.
Protein change: p.Asp2501Asn; replaces aspartic acid 2501 with asparagine.
Molecular consequence: missense variant.
Genome position (GRCh38, 1-based): chr10:71,802,916, G>A. VCF-style: chr10-71802916-G-A. GRCh37 (hg19) VCF-style: chr10-73562673-G-A.
Other names: c.781G>A, p.Asp261Asn (NM_001171933.1, NM_001171934.1); short protein forms D2501N, D261N.
Identifiers: ClinVar variation 46033 (VCV000046033.7), dbSNP rs397517352, ClinGen allele CA137573.

ClinVar aggregate classification (germline): Uncertain significance. Review status: criteria provided, multiple submitters, no conflicts (2 of 4 stars). 2 submissions from 2 submitters: Uncertain significance (2). Last evaluated 2025-10-01.

Submissions (2):

Labcorp Genetics (formerly Invitae), Labcorp
Classification: Uncertain significance. Last evaluated: 2025-10-01. Review status: criteria provided, single submitter. Criteria: Invitae Variant Classification Sherloc (09022015). Collection method: clinical testing. Allele origin: germline.
Comment: This sequence change replaces aspartic acid, which is acidic and polar, with asparagine, which is neutral and polar, at codon 2501 of the CDH23 protein (p.Asp2501Asn). This variant is not present in population databases (gnomAD no frequency). This variant has not been reported in the literature in individuals affected with CDH23-related conditions. ClinVar contains an entry for this variant (Variation ID: 46033). Invitae Evidence Modeling of protein sequence and biophysical properties (such as structural, functional, and spatial information, amino acid conservation, physicochemical variation, residue mobility, and thermodynamic stability) has been performed for this missense variant. However, the output from this modeling did not meet the statistical confidence thresholds required to predict the impact of this variant on CDH23 protein function. In summary, the available evidence is currently insufficient to determine the role of this variant in disease. Therefore, it has been classified as a Variant of Uncertain Significance.

Laboratory for Molecular Medicine, Mass General Brigham Personalized Medicine
Classification: Uncertain significance. Last evaluated: 2012-10-18. Review status: criteria provided, single submitter. Criteria: LMM Criteria. Collection method: clinical testing. Allele origin: germline. Observed: 2 variant alleles.
Comment: The Asp2501Asn variant in CDH23 has not been reported in the literature nor prev iously identified by our laboratory. Computational analyses (biochemical amino a cid properties, conservation, PolyPhen2, SIFT, AlignGVGD) do not provide strong support for or against pathogenicity. In summary, the clinical significance of t his variant cannot be determined with certainty at this time.